The following is an entry in ClinVar:

NM_005560.6(LAMA5):c.5681G>A (p.Arg1894His)

Gene: LAMA5 (laminin subunit alpha 5; minus strand). Cytogenetic location: 20q13.33.
Variant type: single nucleotide variant.
Coding change: c.5681G>A on transcript NM_005560.6 (MANE Select); coding-DNA position 5681, G replaced by A.
Protein change: p.Arg1894His; replaces arginine 1894 with histidine.
Molecular consequence: missense variant.
Genome position (GRCh38, 1-based): chr20:62,324,167, C>T on the plus strand (G>A on the coding strand, the complement: LAMA5 is on the minus strand). VCF-style: chr20-62324167-C-T. GRCh37 (hg19) VCF-style: chr20-60899223-C-T.
Other names: c.5681G>A (NM_005560.4); short protein forms R1894H.
Identifiers: ClinVar variation 2054237 (VCV002054237.3), dbSNP rs138423331, ClinGen allele CA9942092.

ClinVar aggregate classification (germline): Uncertain significance. Review status: criteria provided, multiple submitters, no conflicts (2 of 4 stars). 3 submissions from 3 submitters: Uncertain significance (3). Last evaluated 2024-02-14.

Conditions:
Inborn genetic diseases. Identifiers: MedGen C0950123, MeSH D030342.
LAMA5-related disorder. Also called: LAMA5-related condition; LAMA5-Related Disorders.

Allele frequency attached by ClinVar (database versions not stated): gnomAD exomes 0.00008; ExAC 0.00018; 1000 Genomes Project 0.00020; 1000 Genomes Project 30x 0.00031; gnomAD 0.00047; ESP Exome Variant Server 0.00100.
gnomAD v4.1: 187 of 1,564,516 alleles (0.012%); highest among the groups gnomAD compares: African/African-American, 0.15%; no homozygotes.

Submissions (3):

Ambry Genetics
Classification: Uncertain significance for Inborn genetic diseases. Last evaluated: 2024-02-14. Review status: criteria provided, single submitter. Criteria: Ambry Variant Classification Scheme 2023. Collection method: clinical testing. Allele origin: germline.

PreventionGenetics, part of Exact Sciences
Classification: Uncertain significance for LAMA5-related condition. Last evaluated: 2022-12-16. Review status: criteria provided, single submitter. Criteria: ACMG Guidelines, 2015. Collection method: clinical testing. Allele origin: germline.
Comment: The LAMA5 c.5681G>A variant is predicted to result in the amino acid substitution p.Arg1894His. To our knowledge, this variant has not been reported in the literature. This variant is reported in 0.13% of alleles in individuals of African descent in gnomAD. Although we suspect that this variant may be benign, at this time, the clinical significance of this variant is uncertain due to the absence of conclusive functional and genetic evidence.

Labcorp Genetics (formerly Invitae), Labcorp
Classification: Uncertain significance. Last evaluated: 2022-08-16. Review status: criteria provided, single submitter. Criteria: Invitae Variant Classification Sherloc (09022015). Collection method: clinical testing. Allele origin: germline.
Comment: This sequence change replaces arginine, which is basic and polar, with histidine, which is basic and polar, at codon 1894 of the LAMA5 protein (p.Arg1894His). This variant is present in population databases (rs138423331, gnomAD 0.1%). This variant has not been reported in the literature in individuals affected with LAMA5-related conditions. Algorithms developed to predict the effect of missense changes on protein structure and function output the following: SIFT: "Tolerated"; PolyPhen-2: "Benign"; Align-GVGD: "Class C0". The histidine amino acid residue is found in multiple mammalian species, which suggests that this missense change does not adversely affect protein function. In summary, the available evidence is currently insufficient to determine the role of this variant in disease. Therefore, it has been classified as a Variant of Uncertain Significance.